The following is an entry in ClinVar:

ClinVar aggregate classification (germline): Uncertain significance (1 of 4 stars; one submission).

Conditions:
Glycogen storage disease, type II (IOPD). Also called: Pompe Disease; CARDIOMEGALIA GLYCOGENICA DIFFUSA; GLYCOGENOSIS, GENERALIZED, CARDIAC FORM; GSD II; POMPE DISEASE, INFANTILE-ONSET; GLYCOGEN STORAGE DISEASE II, INFANTILE-ONSET. Identifiers: Orphanet 365, MedGen C0017921, MONDO:0009290, OMIM 232300.

Submission:

Genomenon, Inc
Classification: Uncertain significance for Glycogen storage disease, type II. Last evaluated: 2026-07-01. Review status: criteria provided, single submitter. Criteria: Genomenon Sequence Variant Interpretation Standards - Updated. Collection method: curation. Allele origin: germline. Affected: yes.
Comment: GAA p.Ser686Pro (c.2056_2057delinsCC) is a deletion-insertion variant that changes the amino acid at codon 686 from Serine to Proline. This variant has been observed in at least one proband with a GAA-related disorder (PMID:31342611). It is absent or not present at a significant frequency in gnomAD. In conclusion, we classify GAA p.Ser686Pro (c.2056_2057delinsCC) as a variant of uncertain significance.

Literature cited by the submitters: PubMed 31342611.

NM_000152.5(GAA):c.2056_2057delinsCC (p.Ser686Pro)

Gene: GAA (alpha glucosidase; plus strand). Cytogenetic location: 17q25.3.
Variant type: Indel.
Coding change: c.2056_2057delinsCC on transcript NM_000152.5 (MANE Select); coding-DNA positions 2056 to 2057, AG replaced by CC.
Protein change: p.Ser686Pro; replaces serine 686 with proline.
Molecular consequence: missense variant.
Genome position (GRCh38, 1-based): chr17:80,113,233-80,113,234, AG replaced by CC. VCF-style: chr17-80113233-AG-CC. GRCh37 (hg19) VCF-style: chr17-78087032-AG-CC.
Other names: c.2056_2057delinsCC, p.Ser686Pro (NM_001079803.3, NM_001079804.3, NM_001406741.1 and 1 more transcripts); short protein forms S686P.
Identifiers: ClinVar variation 4876262 (VCV004876262.1).